The following is an entry in ClinVar:

ClinVar aggregate classification (germline): Uncertain significance (1 of 4 stars; one submission).

Conditions:
Anemia, nonspherocytic hemolytic, due to G6PD deficiency (CNSHA1). Also called: ANEMIA, CONGENITAL, NONSPHEROCYTIC HEMOLYTIC, 1; Class I glucose-6-phosphate dehydrogenase deficiency; Favism, susceptibility to; Hemolytic anemia due to G6PD deficiency. Identifiers: Orphanet 466026, MedGen C2720289, MONDO:0010480, OMIM 300908.

Submission:

Labcorp Genetics (formerly Invitae), Labcorp
Classification: Uncertain significance for Anemia, nonspherocytic hemolytic, due to G6PD deficiency. Last evaluated: 2023-07-07. Review status: criteria provided, single submitter. Criteria: Invitae Variant Classification Sherloc (09022015). Collection method: clinical testing. Allele origin: germline.
Comment: In summary, the available evidence is currently insufficient to determine the role of this variant in disease. Therefore, it has been classified as a Variant of Uncertain Significance. This sequence change replaces glutamic acid, which is acidic and polar, with aspartic acid, which is acidic and polar, at codon 315 of the G6PD protein (p.Glu315Asp). This variant is not present in population databases (gnomAD no frequency). This variant has not been reported in the literature in individuals affected with G6PD-related conditions. ClinVar contains an entry for this variant (Variation ID: 1393785). Advanced modeling of protein sequence and biophysical properties (such as structural, functional, and spatial information, amino acid conservation, physicochemical variation, residue mobility, and thermodynamic stability) has been performed at Invitae for this missense variant, however the output from this modeling did not meet the statistical confidence thresholds required to predict the impact of this variant on G6PD protein function.

NM_001360016.2(G6PD):c.945G>C (p.Glu315Asp)

Gene: G6PD (glucose-6-phosphate dehydrogenase; minus strand). Cytogenetic location: Xq28.
Variant type: single nucleotide variant.
Coding change: c.945G>C on transcript NM_001360016.2 (MANE Select); coding-DNA position 945, G replaced by C.
Protein change: p.Glu315Asp; replaces glutamic acid 315 with aspartic acid.
Molecular consequence: missense variant.
Genome position (GRCh38, 1-based): chrX:154,533,048, C>G on the plus strand (G>C on the coding strand, the complement: G6PD is on the minus strand). VCF-style: chrX-154533048-C-G. GRCh37 (hg19) VCF-style: chrX-153761263-C-G.
Other names: c.1035G>C, p.Glu345Asp (NM_000402.4); c.945G>C, p.Glu315Asp (NM_001042351.3); short protein forms E315D, E345D.
Identifiers: ClinVar variation 1393785 (VCV001393785.6), dbSNP rs2148329357, ClinGen allele CA415234641.